The following is an entry in ClinVar:

NM_001082971.2(DDC):c.714+3A>G

Gene: DDC (dopa decarboxylase; minus strand). Cytogenetic location: 7p12.1.
Variant type: single nucleotide variant.
Coding change: c.714+3A>G on transcript NM_001082971.2 (MANE Select); 3 bases into the intron after coding-DNA position 714, A replaced by G.
Molecular consequence: intron variant.
Genome position (GRCh38, 1-based): chr7:50,528,134, T>C on the plus strand (A>G on the coding strand, the complement: DDC is on the minus strand). VCF-style: chr7-50528134-T-C. GRCh37 (hg19) VCF-style: chr7-50595832-T-C.
Other names: c.480+3A>G (NM_001242888.2); c.600+3A>G (NM_001242886.2); c.435+9726A>G (NM_001242889.2); c.570+1074A>G (NM_001242887.2); c.714+3A>G (NM_000790.4, NM_001242890.2).
Identifiers: ClinVar variation 4975337 (VCV004975337.1).
Genomic context (GRCh38, chr7:50,528,134, plus strand): 5'-TATTTTTAGTAGAGACGGAGTTTCACCTTATTGGCCAGGAGCCACAAGTGCTGCCGAACT[T>C]ACAAAGAAAGGAATCAGGCCAGCCGCTTTGTCTCTCTCCAGGGCTTCCTGCAGGGCAGAC-3'

ClinVar aggregate classification (germline): Uncertain significance (1 of 4 stars; one submission).

gnomAD v4.1: 6 of 1,612,414 alleles (0.00037%); highest among the groups gnomAD compares: Non-Finnish European, 0.00042%; no homozygotes.

Submission:

GeneDx
Classification: Uncertain significance. Last evaluated: 2026-01-22. Review status: criteria provided, single submitter. Criteria: GeneDx Variant Classification Process June 2021. Collection method: clinical testing. Allele origin: germline.
Comment: Reported as a heterozygous variant in unrelated patients with a neuromuscular disorder and cognitive deficit in the published literature; however, a second variant in DDC was not reported and testing was not comprehensive (PMID: 38275615); Not observed at significant frequency in large population cohorts (gnomAD); In silico analysis suggests this variant may impact gene splicing. In the absence of RNA/functional studies, the actual effect of this sequence change is unknown.; This variant is associated with the following publications: (PMID: 38275615)